The following is an entry in ClinVar:

Conditions:
Arteriohepatic dysplasia. Also called: Alagille Syndrome. Identifiers: Orphanet 52, MedGen C0085280, MeSH D016738, MONDO:0007318.

Submission:

Gilbert/Spinner Lab, Children's Hospital of Philadelphia
No classification provided (evidence only). Condition: Alagille syndrome. Review status: no classification provided. Collection method: research. Allele origin: not applicable. Functional consequence: functionally_abnormal.
ClinVar note: "not provided" was previously submitted as the classification for the variant. However, the classification appeared to be based only on an observation of functional data so it was converted to no classification on 2025-07-30.

NM_000214.3(JAG1):c.794G>T (p.Cys265Phe)

Gene: JAG1 (jagged canonical Notch ligand 1; minus strand). Cytogenetic location: 20p12.2.
Variant type: single nucleotide variant.
Coding change: c.794G>T on transcript NM_000214.3 (MANE Select); coding-DNA position 794, G replaced by T.
Protein change: p.Cys265Phe; replaces cysteine 265 with phenylalanine.
Molecular consequence: missense variant.
Genome position (GRCh38, 1-based): chr20:10,652,560, C>A on the plus strand (G>T on the coding strand, the complement: JAG1 is on the minus strand). VCF-style: chr20-10652560-C-A. GRCh37 (hg19) VCF-style: chr20-10633208-C-A.
Other names: short protein forms C265F.
Identifiers: ClinVar variation 3573100 (VCV003573100.2).
Genomic context (GRCh38, chr20:10,652,560, plus strand): 5'-TCACAGAGGCACTGCCAGGGCTCATTACAGATGCCGTGGACGCATCCCGGGTGTGGGATG[C>A]ACTTATCACAGTACAGGCCTTGCCAGCCGTACTGGCACCTGGAGACACACAGCACACCTC-3'
Protein context (NP_000205.1, residues 255-275): YGWQGLYCDK[Cys265Phe]IPHPGCVHGI